The following is an entry in ClinVar:

NM_000158.4(GBE1):c.1368C>G (p.Asn456Lys)

Gene: GBE1 (1,4-alpha-glucan branching enzyme 1; minus strand). Cytogenetic location: 3p12.2.
Variant type: single nucleotide variant.
Coding change: c.1368C>G on transcript NM_000158.4 (MANE Select); coding-DNA position 1368, C replaced by G.
Protein change: p.Asn456Lys; replaces asparagine 456 with lysine.
Molecular consequence: missense variant.
Genome position (GRCh38, 1-based): chr3:81,581,243, G>C on the plus strand (C>G on the coding strand, the complement: GBE1 is on the minus strand). VCF-style: chr3-81581243-G-C. GRCh37 (hg19) VCF-style: chr3-81630394-G-C.
Other names: short protein forms N456K.
Identifiers: ClinVar variation 1384813 (VCV001384813.3), dbSNP rs2106938616, ClinGen allele CA353685108.

ClinVar aggregate classification (germline): Uncertain significance (1 of 4 stars; one submission).

Conditions:
Glycogen storage disease, type IV (GSD4). Also called: AMYLOPECTINOSIS; ANDERSEN DISEASE; BRANCHER DEFICIENCY; CIRRHOSIS, FAMILIAL, WITH DEPOSITION OF ABNORMAL GLYCOGEN; GBE1 DEFICIENCY; GLYCOGEN BRANCHING ENZYME DEFICIENCY. Identifiers: Orphanet 367, MedGen C0017923, MONDO:0009292, OMIM 232500.
Glycogen storage disease IV, classic hepatic. Also called: GSD IV, CLASSIC HEPATIC. Identifiers: MedGen C1856301.

Allele frequency attached by ClinVar (database versions not stated): gnomAD exomes below 0.00001.
gnomAD v4.1: 1 of 1,599,784 alleles (0.000063%); highest among the groups gnomAD compares: Admixed American, 0.0017%; no homozygotes.

Submission:

Labcorp Genetics (formerly Invitae), Labcorp
Classification: Uncertain significance for Glycogen storage disease, type IV; Glycogen storage disease IV, classic hepatic. Last evaluated: 2022-07-19. Review status: criteria provided, single submitter. Criteria: Invitae Variant Classification Sherloc (09022015). Collection method: clinical testing. Allele origin: germline.
Comment: This sequence change replaces asparagine, which is neutral and polar, with lysine, which is basic and polar, at codon 456 of the GBE1 protein (p.Asn456Lys). This variant is not present in population databases (gnomAD no frequency). This variant has not been reported in the literature in individuals affected with GBE1-related conditions. ClinVar contains an entry for this variant (Variation ID: 1384813). Advanced modeling of protein sequence and biophysical properties (such as structural, functional, and spatial information, amino acid conservation, physicochemical variation, residue mobility, and thermodynamic stability) performed at Invitae indicates that this missense variant is not expected to disrupt GBE1 protein function. In summary, the available evidence is currently insufficient to determine the role of this variant in disease. Therefore, it has been classified as a Variant of Uncertain Significance.